The following is an entry in ClinVar:

NM_024548.4(CEP97):c.1922C>G (p.Thr641Arg)

Gene: CEP97 (centrosomal protein 97; plus strand). Cytogenetic location: 3q12.3.
Variant type: single nucleotide variant.
Coding change: c.1922C>G on transcript NM_024548.4 (MANE Select); coding-DNA position 1922, C replaced by G.
Protein change: p.Thr641Arg; replaces threonine 641 with arginine.
Molecular consequence: missense variant.
Genome position (GRCh38, 1-based): chr3:101,764,875, C>G. VCF-style: chr3-101764875-C-G. GRCh37 (hg19) VCF-style: chr3-101483719-C-G.
Other names: c.1745C>G, p.Thr582Arg (NM_001303401.2); c.1820C>G, p.Thr607Arg (NM_001410784.1); c.1643C>G, p.Thr548Arg (NM_001410785.1); short protein forms T582R, T548R, T641R, T607R.
Identifiers: ClinVar variation 3707058 (VCV003707058.2).
Genomic context (GRCh38, chr3:101,764,875, plus strand): 5'-TTTATAATACAACTGTATTCTCTGGTTTATAGGTAAGGTCTCTACAGGTTTGGCAACAGA[C>G]AGTGGACCAGCGTCTAAGTTCCTGGCATACTGATGTTCCTCCTATATCAAGTACTCTTGT-3'
Protein context (NP_078824.2, residues 631-651): QVRSLQVWQQ[Thr641Arg]VDQRLSSWHT

ClinVar aggregate classification (germline): Uncertain significance (1 of 4 stars; one submission).

gnomAD v4.1: 4 of 1,612,126 alleles (0.00025%); no homozygotes.

Submission:

Labcorp Genetics (formerly Invitae), Labcorp
Classification: Uncertain significance. Last evaluated: 2024-06-22. Review status: criteria provided, single submitter. Criteria: Invitae Variant Classification Sherloc (09022015). Collection method: clinical testing. Allele origin: germline.
Comment: This sequence change replaces threonine, which is neutral and polar, with arginine, which is basic and polar, at codon 641 of the CEP97 protein (p.Thr641Arg). This variant is not present in population databases (gnomAD no frequency). This variant has not been reported in the literature in individuals affected with CEP97-related conditions. Advanced modeling of protein sequence and biophysical properties (such as structural, functional, and spatial information, amino acid conservation, physicochemical variation, residue mobility, and thermodynamic stability) performed at Invitae indicates that this missense variant is not expected to disrupt CEP97 protein function with a negative predictive value of 80%. In summary, the available evidence is currently insufficient to determine the role of this variant in disease. Therefore, it has been classified as a Variant of Uncertain Significance.